The following is an entry in ClinVar:

NM_002480.3(PPP1R12A):c.1164A>G (p.Thr388=)

Gene: PPP1R12A (protein phosphatase 1 regulatory subunit 12A; minus strand). Cytogenetic location: 12q21.2.
Variant type: single nucleotide variant.
Coding change: c.1164A>G on transcript NM_002480.3 (MANE Select); coding-DNA position 1164, A replaced by G.
Protein change: p.Thr388=; no amino-acid change (threonine 388 retained).
Molecular consequence: synonymous variant.
Genome position (GRCh38, 1-based): chr12:79,817,469, T>C on the plus strand (A>G on the coding strand, the complement: PPP1R12A is on the minus strand). VCF-style: chr12-79817469-T-C. GRCh37 (hg19) VCF-style: chr12-80211249-T-C.
Other names: c.1164A>G, p.Thr388= (NM_001143885.2, NM_001244990.2, NM_001244992.1); c.903A>G, p.Thr301= (NM_001143886.2); c.1164A>G (NM_002480.2).
Identifiers: ClinVar variation 2064418 (VCV002064418.5), dbSNP rs377610727, ClinGen allele CA6699732.

ClinVar aggregate classification (germline): Benign/Likely benign. Review status: criteria provided, multiple submitters, no conflicts (2 of 4 stars). 2 submissions from 2 submitters: Benign (1); Likely benign (1). Last evaluated 2025-08-24.

Conditions:
PPP1R12A-related disorder. Also called: PPP1R12A-related condition.

Allele frequency attached by ClinVar (database versions not stated): gnomAD 0.00023; TOPMed 0.00024; ESP Exome Variant Server 0.00034; ExAC 0.00039.
gnomAD v4.1: 456 of 1,607,856 alleles (0.028%); highest among the groups gnomAD compares: Admixed American, 0.069%; no homozygotes.

Submissions (2):

PreventionGenetics, part of Exact Sciences
Classification: Likely benign for PPP1R12A-related condition. Last evaluated: 2025-08-24. Review status: criteria provided, single submitter. Criteria: ACMG Guidelines, 2015. Collection method: clinical testing. Allele origin: germline.
Comment: This variant is classified as likely benign based on ACMG/AMP sequence variant interpretation guidelines (Richards et al. 2015 PMID: 25741868, with internal and published modifications).

Labcorp Genetics (formerly Invitae), Labcorp
Classification: Benign. Last evaluated: 2024-02-05. Review status: criteria provided, single submitter. Criteria: Invitae Variant Classification Sherloc (09022015). Collection method: clinical testing. Allele origin: germline.